The following is an entry in ClinVar:

NM_001035.3(RYR2):c.14062C>G (p.Pro4688Ala)

Gene: RYR2 (ryanodine receptor 2; plus strand). Cytogenetic location: 1q43.
Variant type: single nucleotide variant.
Coding change: c.14062C>G on transcript NM_001035.3 (MANE Select); coding-DNA position 14062, C replaced by G.
Protein change: p.Pro4688Ala; replaces proline 4688 with alanine.
Molecular consequence: missense variant.
Genome position (GRCh38, 1-based): chr1:237,798,142, C>G. VCF-style: chr1-237798142-C-G. GRCh37 (hg19) VCF-style: chr1-237961442-C-G.
Other names: c.14062C>G (NM_001035.2); short protein forms P4688A.
Identifiers: ClinVar variation 918730 (VCV000918730.8), dbSNP rs1659493419, ClinGen allele CA345419980.

ClinVar aggregate classification (germline): Uncertain significance. Review status: criteria provided, multiple submitters, no conflicts (2 of 4 stars). 5 submissions from 5 submitters: Uncertain significance (5). Last evaluated 2025-07-02.

Conditions:
Arrhythmogenic right ventricular dysplasia 2. Identifiers: MedGen C1832931.
Catecholaminergic polymorphic ventricular tachycardia 1. Also called: VENTRICULAR TACHYCARDIA, CATECHOLAMINERGIC POLYMORPHIC, 1, WITH OR WITHOUT ATRIAL DYSFUNCTION AND/OR DILATED CARDIOMYOPATHY; RYR2-Related Catecholaminergic Polymorphic Ventricular Tachycardia; VENTRICULAR TACHYCARDIA, STRESS-INDUCED POLYMORPHIC 1. Identifiers: Orphanet 3286, MedGen C1631597, MONDO:0011484, OMIM 604772.
Ventricular arrhythmias due to cardiac ryanodine receptor calcium release deficiency syndrome. Also called: Autosomal dominant cardiac arrhythmia (Kuhn). Identifiers: MedGen C5542154, MONDO:0020745, OMIM 115000.
Cardiovascular phenotype. Identifiers: MedGen CN230736.
Cardiomyopathy (CMYO). Also called: Cardiomyopathies. Identifiers: Orphanet 167848, MedGen C0878544, MONDO:0004994, HP:0001638. Inheritance: Various modes of inheritance.

Allele frequency attached by ClinVar (database versions not stated): TOPMed below 0.00001; gnomAD exomes 0.00002.
gnomAD v4.1: 18 of 1,612,270 alleles (0.0011%); highest among the groups gnomAD compares: Non-Finnish European, 0.0015%; no homozygotes.

Submissions (5):

Labcorp Genetics (formerly Invitae), Labcorp
Classification: Uncertain significance for Catecholaminergic polymorphic ventricular tachycardia 1. Last evaluated: 2025-07-02. Review status: criteria provided, single submitter. Criteria: Invitae Variant Classification Sherloc (09022015). Collection method: clinical testing. Allele origin: germline.
Comment: This sequence change replaces proline, which is neutral and non-polar, with alanine, which is neutral and non-polar, at codon 4688 of the RYR2 protein (p.Pro4688Ala). This variant is not present in population databases (gnomAD no frequency). This variant has not been reported in the literature in individuals affected with RYR2-related conditions. ClinVar contains an entry for this variant (Variation ID: 918730). Invitae Evidence Modeling of protein sequence and biophysical properties (such as structural, functional, and spatial information, amino acid conservation, physicochemical variation, residue mobility, and thermodynamic stability) indicates that this missense variant is not expected to disrupt RYR2 protein function with a negative predictive value of 95%. In summary, the available evidence is currently insufficient to determine the role of this variant in disease. Therefore, it has been classified as a Variant of Uncertain Significance.

GeneDx
Classification: Uncertain significance. Last evaluated: 2025-03-16. Review status: criteria provided, single submitter. Criteria: GeneDx Variant Classification Process June 2021. Collection method: clinical testing. Allele origin: germline. Affected: yes.
Comment: Not observed at significant frequency in large population cohorts (gnomAD); In silico analysis supports that this missense variant has a deleterious effect on protein structure/function; Has not been previously published as pathogenic or benign to our knowledge; Located in one of the three hot-spot regions of the RYR2 gene, where the majority of pathogenic missense variants occur (PMID: 19926015); This variant is associated with the following publications: (PMID: 19926015)

Ambry Genetics
Classification: Uncertain significance for Cardiovascular phenotype. Last evaluated: 2021-07-13. Review status: criteria provided, single submitter. Criteria: Ambry Variant Classification Scheme 2023. Collection method: clinical testing. Allele origin: germline.
Comment: The p.P4688A variant (also known as c.14062C>G), located in coding exon 97 of the RYR2 gene, results from a C to G substitution at nucleotide position 14062. The proline at codon 4688 is replaced by alanine, an amino acid with highly similar properties. This amino acid position is highly conserved in available vertebrate species. In addition, the in silico prediction for this alteration is inconclusive. Since supporting evidence is limited at this time, the clinical significance of this alteration remains unclear.

Fulgent Genetics
Classification: Uncertain significance for Ventricular arrhythmias due to cardiac ryanodine receptor calcium release deficiency syndrome; Catecholaminergic polymorphic ventricular tachycardia 1. Last evaluated: 2021-07-13. Review status: criteria provided, single submitter. Criteria: ACMG Guidelines, 2015. Collection method: clinical testing. Allele origin: unknown.

Color Diagnostics, LLC DBA Color Health
Classification: Uncertain significance for Cardiomyopathy. Last evaluated: 2019-10-08. Review status: criteria provided, single submitter. Criteria: ACMG Guidelines, 2015. Collection method: clinical testing. Allele origin: germline.
Comment: This missense variant replaces proline with alanine at codon 4688 of the RYR2 protein. Computational prediction tool is inconclusive regarding the impact of this variant on protein structure and function (internally defined REVEL score threshold 0.5 < inconclusive < 0.7, PMID: 27666373). Splice site prediction tools suggest that this variant may not impact RNA splicing. To our knowledge, functional studies have not been performed for this variant. This variant has not been reported in individuals affected with cardiovascular disorders in the literature. This variant has not been identified in the general population by the Genome Aggregation Database (gnomAD). The available evidence is insufficient to determine the role of this variant in disease conclusively. Therefore, this variant is classified as a Variant of Uncertain Significance.